The following is an entry in ClinVar:

ClinVar aggregate classification (somatic clinical impact): Tier I - Strong (1 of 4 stars; one submission).

Conditions:
Diffuse pediatric-type high-grade glioma, H3-wildtype and IDH-wildtype. Identifiers: MedGen C5669918, MONDO:0858939.

Submission:

Institute for Genomic Medicine (IGM) Clinical Laboratory, Nationwide Children's Hospital
Classification: Tier I - Strong for Diffuse pediatric-type high-grade glioma, H3-wildtype and IDH-wildtype. Assertion type: diagnostic. Clinical significance: supports diagnosis. Last evaluated: 2024-05-07. Review status: criteria provided, single submitter. Criteria: AMP/ASCO/CAP Guidelines, 2017. Collection method: clinical testing. Allele origin: somatic. Affected: yes.
Comment: Variant has Tier I (strong) clinical significance as a diagnostic inclusion criterion in diffuse pediatric-type high-grade glioma, H3-wildtype and IDH-wildtype, based on the following evidence: 1) Documented in one or more cancer databases (e.g., St. Jude Pecan, COSMIC, CIViC, OncoKB). 2) Appears in one or more well-established professional guidelines (e.g., World Health Organization [WHO]; National Comprehensive Cancer Network [NCCN]) as providing diagnostic, prognostic, or therapeutic information. 3) Information in the literature supports potential biologic effect of variant (PMIDs: 21478295, 23166678). 4) Diagnostic for a specific tumor type/classification based on well-powered studies with expert-level consensus (Evidence Level B; PMIDs: 24705251, 25230881, 28912153, 25219808, 29763623).

Literature cited by the submitters: PubMed 21478295; PubMed 23166678; PubMed 24705251; PubMed 25230881; PubMed 28912153; PubMed 25219808; PubMed 29763623.

NM_181523.3(PIK3R1):c.1365_1370del (p.Phe456_Gln457del)

Gene: PIK3R1 (phosphoinositide-3-kinase regulatory subunit 1; plus strand). Cytogenetic location: 5q13.1.
Variant type: Deletion.
Coding change: c.1365_1370del on transcript NM_181523.3 (MANE Select); coding-DNA positions 1365 to 1370, 6 bases deleted (GTTTCA; older notation c.1365_1370delGTTTCA).
Protein change: p.Phe456_Gln457del.
Genome position (GRCh38, 1-based): chr5:68,293,774-68,293,779, GTTTCA deleted; deleting any 6 consecutive bases within chr5:68,293,771-68,293,779 gives the same sequence; the c. name uses the placement nearest the transcript's 3' end. VCF-style (leftmost placement, unchanged base first): chr5-68293770-CTCAGTT-C. GRCh37 (hg19) VCF-style: chr5-67589598-CTCAGTT-C.
Other names: c.276_281del, p.Phe93_Gln94del (NM_001242466.2); c.555_560del, p.Phe186_Gln187del (NM_181504.4); c.465_470del, p.Phe156_Gln157del (NM_181524.2).
Identifiers: ClinVar variation 4530383 (VCV004530383.1).
Genomic context (GRCh38, chr5:68,293,770, plus strand): 5'-ATCAAGTTGTCAAAGAAGATAATATTGAAGCTGTAGGGAAAAAATTACATGAATATAACA[CTCAGTT>C]TCAAGAAAAAAGTCGAGAATATGATAGATTATATGAAGAATATACCCGCACATCCCAGGT-3'